The following is an entry in ClinVar:

NM_001684.5(ATP2B4):c.2492T>C (p.Met831Thr)

Gene: ATP2B4 (ATPase plasma membrane Ca2+ transporting 4; plus strand). Cytogenetic location: 1q32.1.
Variant type: single nucleotide variant.
Coding change: c.2492T>C on transcript NM_001684.5 (MANE Select); coding-DNA position 2492, T replaced by C.
Protein change: p.Met831Thr; replaces methionine 831 with threonine.
Molecular consequence: missense variant.
Genome position (GRCh38, 1-based): chr1:203,720,634, T>C. VCF-style: chr1-203720634-T-C. GRCh37 (hg19) VCF-style: chr1-203689762-T-C.
Other names: c.2492T>C, p.Met831Thr (NM_001001396.3, NM_001365783.2, NM_001365784.2); short protein forms M831T.
Identifiers: ClinVar variation 2991589 (VCV002991589.3), dbSNP rs1666292204, ClinGen allele CA344318093.

ClinVar aggregate classification (germline): Uncertain significance (1 of 4 stars; one submission).

Allele frequency attached by ClinVar (database versions not stated): TOPMed below 0.00001.

Submission:

Labcorp Genetics (formerly Invitae), Labcorp
Classification: Uncertain significance. Last evaluated: 2024-01-29. Review status: criteria provided, single submitter. Criteria: Invitae Variant Classification Sherloc (09022015). Collection method: clinical testing. Allele origin: germline.
Comment: This sequence change replaces methionine, which is neutral and non-polar, with threonine, which is neutral and polar, at codon 831 of the ATP2B4 protein (p.Met831Thr). This variant is not present in population databases (gnomAD no frequency). This variant has not been reported in the literature in individuals affected with ATP2B4-related conditions. Advanced modeling of protein sequence and biophysical properties (such as structural, functional, and spatial information, amino acid conservation, physicochemical variation, residue mobility, and thermodynamic stability) performed at Invitae indicates that this missense variant is expected to disrupt ATP2B4 protein function with a positive predictive value of 80%. In summary, the available evidence is currently insufficient to determine the role of this variant in disease. Therefore, it has been classified as a Variant of Uncertain Significance.